The following is an entry in ClinVar:

ClinVar aggregate classification (germline): Likely pathogenic (1 of 4 stars; one submission).

Conditions:
Ectodermal dysplasia 10B, hypohidrotic/hair/tooth type, autosomal recessive. Also called: Ectodermal Dysplasia, Hypohidrotic, Autosomal Recessive; Ectodermal dysplasia 10B, hypohidrotic/hair/tooth type, autosomal. Identifiers: Orphanet 238468, Orphanet 248, MedGen C3887494, MONDO:0009147, OMIM 224900.

gnomAD v4.1: 38 of 1,614,080 alleles (0.0024%); highest among the groups gnomAD compares: Non-Finnish European, 0.0029%; no homozygotes.

Submission:

Lupski Lab, Baylor-Hopkins CMG, Baylor College of Medicine
Classification: Likely pathogenic for Ectodermal dysplasia 10B, hypohidrotic/hair/tooth type, autosomal recessive. Last evaluated: 2026-07-01. Review status: criteria provided, single submitter. Criteria: ACMG Guidelines, 2015. Collection method: research. Allele origin: maternal, germline. Inheritance: Autosomal recessive inheritance. Affected: yes and no. Observed: 3 variant alleles, 1 heterozygote, 2 compound heterozygotes. Clinical features observed: Decreased lacrimation (HP:0000633), Periorbital wrinkles (HP:0000607), Hyperpigmentation of the skin (HP:0000953), Dry skin (HP:0000958), Thin skin (HP:0000963), Plantar hyperkeratosis (HP:0007556), Sparse eyelashes (HP:0000653), Sparse eyebrow (HP:0045075), Sparse scalp hair (HP:0002209), Brittle hair (HP:0002299), Fine hair (HP:0002213), Sparse body hair (HP:0002231), and 27 more.
Comment: It is at extremely low frequency in gnomAD (PM2_Supporting= +1pt). It is the same codon as a different amino acid change that is a known pathogenic variant (chr2:108923368:A>G)(PM5_Moderate= +2pts). Computational prediction tools support a deleterious effect of the variant (Franklin, Aggregated score: 0.987)(PP3_Supporting= +1pt). It is a missense variant in a gene with a low rate of benign missense mutations, and for which missense mutation is a common mechanism of disease (PP2_Supporting= +1pt). 7 pts (PM3 +2, PM2 +1, PM5 +2, PP3 +1, PP2 +1).

NM_022336.4(EDAR):c.442T>A (p.Cys148Ser)

Genes: EDAR (ectodysplasin A receptor; minus strand), RANBP2 (RAN binding protein 2; plus strand). Cytogenetic location: 2q13.
Variant type: single nucleotide variant.
Coding change: c.442T>A on transcript NM_022336.4 (MANE Select); coding-DNA position 442, T replaced by A.
Protein change: p.Cys148Ser; replaces cysteine 148 with serine.
Molecular consequence: missense variant.
Genome position (GRCh38, 1-based): chr2:108,923,368, A>T on the plus strand (T>A on the coding strand, the complement: EDAR is on the minus strand). VCF-style: chr2-108923368-A-T. GRCh37 (hg19) VCF-style: chr2-109539824-A-T.
Other names: short protein forms C148S.
Identifiers: ClinVar variation 4974488 (VCV004974488.1).